The following is an entry in ClinVar:

NM_000186.4(CFH):c.1690T>C (p.Cys564Arg)

Gene: CFH (complement factor H; plus strand). Cytogenetic location: 1q31.3.
Variant type: single nucleotide variant.
Coding change: c.1690T>C on transcript NM_000186.4 (MANE Select); coding-DNA position 1690, T replaced by C.
Protein change: p.Cys564Arg; replaces cysteine 564 with arginine.
Molecular consequence: missense variant.
Genome position (GRCh38, 1-based): chr1:196,715,763, T>C. VCF-style: chr1-196715763-T-C. GRCh37 (hg19) VCF-style: chr1-196684893-T-C.
Other names: p.Cys564Arg; short protein forms C564R.
Identifiers: ClinVar variation 3236130 (VCV003236130.3), dbSNP rs1668856710, ClinGen allele CA343983771.

ClinVar aggregate classification (germline): Conflicting classifications of pathogenicity. Review status: criteria provided, conflicting classifications (1 of 4 stars). 3 submissions from 3 submitters: Likely pathogenic (1); Uncertain significance (2). Last evaluated 2025-10-02.

Conditions:
Hemolytic uremic syndrome, atypical, susceptibility to, 1. Also called: AHUS, SUSCEPTIBILITY TO, 1. Identifiers: Orphanet 2134, Orphanet 90038, MedGen C2749604, MONDO:0009335, OMIM 235400. Disease mechanism: Other.
Basal laminar drusen. Also called: DRUSEN OF BRUCH MEMBRANE; DRUSEN, CUTICULAR; DRUSEN, EARLY ADULT-ONSET, GROUPED. Identifiers: Orphanet 75376, MedGen C0730295, MONDO:0007472, OMIM 126700.
Factor H deficiency (CFHD). Also called: CFH DEFICIENCY; COMPLEMENT FACTOR H DEFICIENCY. Identifiers: Orphanet 200421, MedGen C0398777, MONDO:0012350, OMIM 609814.
Age related macular degeneration 4. Identifiers: MedGen C1853147, MONDO:0012540, OMIM 610698.
Atypical hemolytic-uremic syndrome. Identifiers: Orphanet 2134, MedGen C2931788, MONDO:0016244.

Allele frequency attached by ClinVar (database versions not stated): gnomAD 0.00001; TOPMed 0.00001.
gnomAD v4.1: 1 of 1,610,258 alleles (0.000062%); highest among the groups gnomAD compares: Admixed American, 0.0017%; no homozygotes.

Submissions (3):

Genomenon, Inc
Classification: Uncertain significance for Basal laminar drusen; Age related macular degeneration 4; Atypical hemolytic-uremic syndrome; Factor H deficiency. Last evaluated: 2025-10-02. Review status: criteria provided, single submitter. Criteria: Genomenon Sequence Variant Interpretation Standards - Updated. Collection method: curation. Allele origin: germline. Affected: no.
Comment: CFH p.Cys564Arg (c.1690T>C) is a missense variant that changes the amino acid at residue 564 from Cysteine to Arginine. This variant has been reported in the published literature (PMID:10206995). It is absent or not present at a significant frequency in gnomAD. In silico models agree that this variant is possibly or probably damaging. In conclusion, we classify CFH p.Cys564Arg (c.1690T>C) as a variant of uncertain significance.

Mayo Clinic Laboratories, Mayo Clinic
Classification: Uncertain significance. Last evaluated: 2023-08-07. Review status: criteria provided, single submitter. Criteria: ACMG Guidelines, 2015. Collection method: clinical testing. Allele origin: germline. Observed: 1 variant allele.
Comment: PP3, PM2

MVZ Medizinische Genetik Mainz
Classification: Likely pathogenic for Hemolytic uremic syndrome, atypical, susceptibility to, 1. Last evaluated: 2022-04-29. Review status: criteria provided, single submitter. Criteria: UK Practice Guidelines For Variant Classification V4 01 2020. Collection method: clinical testing. Allele origin: germline. Inheritance: Autosomal dominant inheritance. Affected: yes. Observed: 1 variant allele.
Comment: ACMG Criteria: PM1_STR, PM2_SUP, PM5_SUP, PP3, PP4 (ACMG Version 3)

Literature cited by the submitters: PubMed 10206995 (cited by Genomenon, Inc).